The following is an entry in ClinVar:

ClinVar aggregate classification (germline): Likely benign. Review status: criteria provided, multiple submitters, no conflicts (2 of 4 stars). 2 submissions from 2 submitters: Likely benign (2). Last evaluated 2025-12-22.

Allele frequency attached by ClinVar (database versions not stated): gnomAD 0.00070 and 0.00073; TOPMed 0.00070; 1000 Genomes Project 0.00080; 1000 Genomes Project 30x 0.00094; ESP Exome Variant Server 0.00100.
gnomAD v4.1: 206 of 1,610,830 alleles (0.013%); highest among the groups gnomAD compares: African/African-American, 0.23%; no homozygotes.

Submissions (2):

Labcorp Genetics (formerly Invitae), Labcorp
Classification: Likely benign. Last evaluated: 2025-12-22. Review status: criteria provided, single submitter. Criteria: Invitae Variant Classification Sherloc (09022015). Collection method: clinical testing. Allele origin: germline.

GeneDx
Classification: Likely benign. Last evaluated: 2016-05-20. Review status: criteria provided, single submitter. Criteria: GeneDx Variant Classification (06012015). Collection method: clinical testing. Allele origin: germline. Affected: yes.
Comment: This variant is considered likely benign or benign based on one or more of the following criteria: it is a conservative change, it occurs at a poorly conserved position in the protein, it is predicted to be benign by multiple in silico algorithms, and/or has population frequency not consistent with disease.

NM_006031.6(PCNT):c.1761+14C>T

Gene: PCNT (pericentrin; plus strand). Cytogenetic location: 21q22.3.
Variant type: single nucleotide variant.
Coding change: c.1761+14C>T on transcript NM_006031.6 (MANE Select); 14 bases into the intron after coding-DNA position 1761, C replaced by T.
Molecular consequence: intron variant.
Genome position (GRCh38, 1-based): chr21:46,354,082, C>T. VCF-style: chr21-46354082-C-T. GRCh37 (hg19) VCF-style: chr21-47773996-C-T.
Other names: c.1407+14C>T (NM_001315529.2).
Identifiers: ClinVar variation 386398 (VCV000386398.9), dbSNP rs368329088, ClinGen allele CA10078736.
Genomic context (GRCh38, chr21:46,354,082, plus strand): 5'-AAGGAAGAAAAGATCACGTTGATGAACTCGAGCCTGAGCGACATAAGGTAATTGGCCGCG[C>T]GCTGAGAAGTGGGGGAGTCCTGTGCTCTTGACCTTCCAGCCCTGCGTCTTCCACATTATA-3'